The following is an entry in ClinVar:

ClinVar aggregate classification (germline): Uncertain significance (1 of 4 stars; one submission).

gnomAD v4.1: 3 of 1,613,802 alleles (0.00019%); highest among the groups gnomAD compares: Admixed American, 0.0017%; no homozygotes.

Submission:

Labcorp Genetics (formerly Invitae), Labcorp
Classification: Uncertain significance. Last evaluated: 2025-12-27. Review status: criteria provided, single submitter. Criteria: Invitae Variant Classification Sherloc (09022015). Collection method: clinical testing. Allele origin: germline.
Comment: This sequence change replaces arginine, which is basic and polar, with tryptophan, which is neutral and slightly polar, at codon 365 of the COPB2 protein (p.Arg365Trp). This variant is present in population databases (no rsID available, gnomAD 0.003%). This variant has not been reported in the literature in individuals affected with COPB2-related conditions. An algorithm developed to predict the effect of missense changes on protein structure and function (PolyPhen-2) suggests that this variant is likely to be disruptive. In summary, the available evidence is currently insufficient to determine the role of this variant in disease. Therefore, it has been classified as a Variant of Uncertain Significance.

NM_004766.3(COPB2):c.1093C>T (p.Arg365Trp)

Gene: COPB2 (coat protein complex I subunit beta 2; minus strand). Cytogenetic location: 3q23.
Variant type: single nucleotide variant.
Coding change: c.1093C>T on transcript NM_004766.3 (MANE Select); coding-DNA position 1093, C replaced by T.
Protein change: p.Arg365Trp; replaces arginine 365 with tryptophan.
Molecular consequence: missense variant. On other transcripts: non-coding transcript variant (1).
Genome position (GRCh38, 1-based): chr3:139,373,214, G>A on the plus strand (C>T on the coding strand, the complement: COPB2 is on the minus strand). VCF-style: chr3-139373214-G-A. GRCh37 (hg19) VCF-style: chr3-139092056-G-A.
Other names: c.1006C>T, p.Arg336Trp (NM_001410834.1); short protein forms R336W, R365W.
Identifiers: ClinVar variation 4766424 (VCV004766424.1).
Genomic context (GRCh38, chr3:139,373,214, plus strand): 5'-ATCTGCAAACCTGTTCTAACATACACAGAAGCTGAGGGACAATTTTGGTGATGGCTTACC[G>A]CCCATTAGGATTGTGCTGAATAGTCTGAGGGTATATTTCACAACTGCCCATATCCTTTAC-3'
Protein context (NP_004757.1, residues 355-375): PQTIQHNPNG[Arg365Trp]FVVVCGDGEY